The following is an entry in ClinVar:

NM_000642.3(AGL):c.3668G>A (p.Gly1223Asp)

Gene: AGL (amylo-alpha-1,6-glucosidase and 4-alpha-glucanotransferase; plus strand). Cytogenetic location: 1p21.2.
Variant type: single nucleotide variant.
Coding change: c.3668G>A on transcript NM_000642.3 (MANE Select); coding-DNA position 3668, G replaced by A.
Protein change: p.Gly1223Asp; replaces glycine 1223 with aspartic acid.
Molecular consequence: missense variant.
Genome position (GRCh38, 1-based): chr1:99,902,762, G>A. VCF-style: chr1-99902762-G-A. GRCh37 (hg19) VCF-style: chr1-100368318-G-A.
Other names: p.Gly1223Asp; c.3668G>A, p.Gly1223Asp (NM_000028.3, NM_000643.3, NM_000644.3 and 1 more transcripts); c.3620G>A, p.Gly1207Asp (NM_000646.3); c.3647G>A, p.Gly1216Asp (NM_001425326.1); c.3467G>A, p.Gly1156Asp (NM_001425327.1); c.3464G>A, p.Gly1155Asp (NM_001425328.1); c.3329G>A, p.Gly1110Asp (NM_001425329.1); c.3290G>A, p.Gly1097Asp (NM_001425332.1); short protein forms G1223D, G1207D, G1097D, G1110D, G1155D, G1156D, G1216D.
Identifiers: ClinVar variation 456493 (VCV000456493.19), dbSNP rs202046937, ClinGen allele CA967168.

ClinVar aggregate classification (germline): Conflicting classifications of pathogenicity. Review status: criteria provided, conflicting classifications (1 of 4 stars). 4 submissions from 4 submitters: Uncertain significance (1); Likely benign (3). Last evaluated 2025-12-30.

Conditions:
Glycogen storage disease type III (GSD3). Also called: FORBES DISEASE; Cori disease. Identifiers: Orphanet 366, MedGen C0017922, MONDO:0009291, OMIM 232400.

Allele frequency attached by ClinVar (database versions not stated): gnomAD 0.00007 and 0.00013; TOPMed 0.00011; gnomAD exomes 0.00016 and 0.00024; ExAC 0.00027; 1000 Genomes Project 30x 0.00078; 1000 Genomes Project 0.00080.
gnomAD v4.1: 248 of 1,613,330 alleles (0.015%); highest among the groups gnomAD compares: East Asian, 0.54%; 2 homozygotes.

Submissions (4):

Labcorp Genetics (formerly Invitae), Labcorp
Classification: Likely benign for Glycogen storage disease type III. Last evaluated: 2025-12-30. Review status: criteria provided, single submitter. Criteria: Invitae Variant Classification Sherloc (09022015). Collection method: clinical testing. Allele origin: germline.

Mayo Clinic Laboratories, Mayo Clinic
Classification: Likely benign. Last evaluated: 2025-09-26. Review status: criteria provided, single submitter. Criteria: ACMG Guidelines, 2015. Collection method: clinical testing. Allele origin: germline. Observed: 1 variant allele.
Comment: BS1, BS2_supporting, PP3

Genome-Nilou Lab
Classification: Likely benign for Glycogen storage disease type III. Last evaluated: 2021-07-15. Review status: criteria provided, single submitter. Criteria: ACMG Guidelines, 2015. Collection method: clinical testing. Allele origin: germline. Affected: no.

Illumina Laboratory Services, Illumina
Classification: Uncertain significance for Glycogen storage disease type III. Last evaluated: 2018-01-13. Review status: criteria provided, single submitter. Criteria: ICSL Variant Classification Criteria 13 December 2019. Collection method: clinical testing. Allele origin: germline.